The following is an entry in ClinVar:

NM_001384140.1(PCDH15):c.2885G>A (p.Arg962His)

Gene: PCDH15 (protocadherin related 15; minus strand). Cytogenetic location: 10q21.1.
Variant type: single nucleotide variant.
Coding change: c.2885G>A on transcript NM_001384140.1 (MANE Select); coding-DNA position 2885, G replaced by A.
Protein change: p.Arg962His; replaces arginine 962 with histidine.
Molecular consequence: missense variant.
Genome position (GRCh38, 1-based): chr10:53,961,876, C>T on the plus strand (G>A on the coding strand, the complement: PCDH15 is on the minus strand). VCF-style: chr10-53961876-C-T. GRCh37 (hg19) VCF-style: chr10-55721636-C-T.
Other names: c.2900G>A, p.Arg967His (NM_001142763.2, NM_001142771.2); c.2885G>A, p.Arg962His (NM_001142764.2, NM_001142766.2, NM_001142770.3 and 4 more transcripts); c.2672G>A, p.Arg891His (NM_001142765.2); c.2774G>A, p.Arg925His (NM_001142767.2); c.2819G>A, p.Arg940His (NM_001142768.2, NM_001142773.2, NM_001354404.2); c.2921G>A, p.Arg974His (NM_001142769.4); c.2906G>A, p.Arg969His (NM_001354411.2); short protein forms R962H, R925H, R974H, R969H, R891H, R940H, R967H.
Identifiers: ClinVar variation 46457 (VCV000046457.61), dbSNP rs45483395, ClinGen allele CA138398.

ClinVar aggregate classification (germline): Conflicting classifications of pathogenicity. Review status: criteria provided, conflicting classifications (1 of 4 stars). 13 submissions from 13 submitters: Uncertain significance (1); Benign (3); Likely benign (4). 5 of the submissions do not count toward it. Last evaluated 2026-02-01.

Conditions:
PCDH15-related disorder. Also called: PCDH15-related disorders; PCDH15-related condition.
Usher syndrome type 1 (USH1). Also called: RETINITIS PIGMENTOSA AND CONGENITAL DEAFNESS. Identifiers: Orphanet 231169, Orphanet 886, MedGen C1568247, MONDO:0010168, OMIM 276900.
Usher syndrome type 1F (USH1F). Also called: USHER SYNDROME, TYPE IF. Identifiers: Orphanet 231169, Orphanet 886, MedGen C1865885, MONDO:0011186, OMIM 602083.

Allele frequency attached by ClinVar (database versions not stated): 1000 Genomes Project 0.00240; 1000 Genomes Project 30x 0.00265; ESP Exome Variant Server 0.00269; TOPMed 0.00303.
gnomAD v4.1: 2,293 of 1,608,818 alleles (0.14%); highest among the groups gnomAD compares: African/African-American, 0.73%; 4 homozygotes.

Submissions (13):

Labcorp Genetics (formerly Invitae), Labcorp
Classification: Likely benign. Last evaluated: 2026-02-01. Review status: criteria provided, single submitter. Criteria: Invitae Variant Classification Sherloc (09022015). Collection method: clinical testing. Allele origin: germline.

Blueprint Genetics
Classification: Likely benign. Last evaluated: 2024-11-27. Review status: criteria provided, single submitter. Criteria: ACMG Guidelines, 2015. Collection method: clinical testing. Allele origin: germline.

ARUP Laboratories, Molecular Genetics and Genomics, ARUP Laboratories
Classification: Benign. Last evaluated: 2023-11-22. Review status: criteria provided, single submitter. Criteria: ARUP Molecular Germline Variant Investigation Process 2024. Collection method: clinical testing. Allele origin: germline.

CeGaT Center for Human Genetics Tuebingen
Classification: Likely benign. Last evaluated: 2022-09-01. Review status: criteria provided, single submitter. Criteria: CeGaT Center For Human Genetics Tuebingen Variant Classification Criteria Version 2. Collection method: clinical testing. Allele origin: germline. Affected: yes. Observed: 1 variant allele.
Comment: PCDH15: BP4, BS2

GeneDx
Classification: Likely benign. Last evaluated: 2021-03-02. Review status: criteria provided, single submitter. Criteria: GeneDx Variant Classification Process June 2021. Collection method: clinical testing. Allele origin: germline. Affected: yes.

Illumina Laboratory Services, Illumina
Classification: Uncertain significance for Usher syndrome type 1. Last evaluated: 2018-01-13. Review status: criteria provided, single submitter. Criteria: ICSL Variant Classification Criteria 13 December 2019. Collection method: clinical testing. Allele origin: germline.

Eurofins Ntd Llc (ga)
Classification: Benign. Last evaluated: 2014-04-17. Review status: criteria provided, single submitter. Criteria: EGL Classification Definitions 2015. Collection method: clinical testing. Allele origin: germline. Observed: 1 variant allele, 1 heterozygote.

Laboratory for Molecular Medicine, Mass General Brigham Personalized Medicine
Classification: Benign. Last evaluated: 2012-05-15. Review status: criteria provided, single submitter. Criteria: LMM Criteria. Collection method: clinical testing. Allele origin: germline. Observed: 6 variant alleles.
Comment: Arg962His in Exon 22 of PCDH15: This variant is not expected to have clinical si gnificance because it has been identified in 0.6% (24/3738) of African American chromosomes from a broad population by the NHLBI Exome Sequencing Project (dbSNP rs45483395).

PreventionGenetics, part of Exact Sciences
Classification: Likely benign for PCDH15-related condition. Last evaluated: 2020-04-01. Review status: no assertion criteria provided. Collection method: clinical testing. Allele origin: germline. Not counted in ClinVar's aggregate classification.
Comment: This variant is classified as likely benign based on ACMG/AMP sequence variant interpretation guidelines (Richards et al. 2015 PMID: 25741868, with internal and published modifications).

Natera, Inc.
Classification: Benign for Usher syndrome type 1F. Last evaluated: 2019-11-11. Review status: no assertion criteria provided. Collection method: clinical testing. Allele origin: germline. Not counted in ClinVar's aggregate classification.

Counsyl
Classification: Uncertain significance for Usher syndrome type 1F. Last evaluated: 2017-12-28. Review status: no assertion criteria provided. Collection method: clinical testing. Allele origin: unknown. Not counted in ClinVar's aggregate classification.

Clinical Genetics DNA and cytogenetics Diagnostics Lab, Erasmus MC, Erasmus Medical Center
Classification: Likely benign. Review status: no assertion criteria provided. Collection method: clinical testing. Allele origin: germline. Affected: yes. Study: VKGL Data-share Consensus. Not counted in ClinVar's aggregate classification.

Clinical Genetics, Academic Medical Center
Classification: Benign. Review status: no assertion criteria provided. Collection method: clinical testing. Allele origin: germline. Affected: yes. Study: VKGL Data-share Consensus. Not counted in ClinVar's aggregate classification.